The following is an entry in ClinVar:

NM_006269.2(RP1):c.1096G>A (p.Glu366Lys)

Gene: RP1 (RP1 axonemal microtubule associated; plus strand). Cytogenetic location: 8q12.1.
Variant type: single nucleotide variant.
Coding change: c.1096G>A on transcript NM_006269.2 (MANE Select); coding-DNA position 1096, G replaced by A.
Protein change: p.Glu366Lys; replaces glutamic acid 366 with lysine.
Molecular consequence: missense variant. On other transcripts: intron variant (1).
Genome position (GRCh38, 1-based): chr8:54,624,978, G>A. VCF-style: chr8-54624978-G-A. GRCh37 (hg19) VCF-style: chr8-55537538-G-A.
Other names: c.787+2690G>A (NM_001375654.1); c.1096G>A (NM_006269.1); short protein forms E366K.
Identifiers: ClinVar variation 1505255 (VCV001505255.10), dbSNP rs139214330, ClinGen allele CA4751320.

ClinVar aggregate classification (germline): Uncertain significance. Review status: criteria provided, multiple submitters, no conflicts (2 of 4 stars). 3 submissions from 3 submitters: Uncertain significance (2). 1 of the submissions does not count toward it. Last evaluated 2025-10-22.

Conditions:
Inborn genetic diseases. Identifiers: MedGen C0950123, MeSH D030342.
Retinal dystrophy. Also called: Inherited retinal dystrophy. Identifiers: Orphanet 71862, MedGen C0854723, MeSH D058499, MONDO:0019118, HP:0000556.

Allele frequency attached by ClinVar (database versions not stated): ExAC 0.00001; gnomAD 0.00001; gnomAD exomes 0.00001 and 0.00002; TOPMed 0.00002; ESP Exome Variant Server 0.00015.
gnomAD v4.1: 13 of 1,614,026 alleles (0.00081%); highest among the groups gnomAD compares: Non-Finnish European, 0.0011%; no homozygotes.

Submissions (3):

Ambry Genetics
Classification: Uncertain significance for Inborn genetic diseases. Last evaluated: 2025-10-22. Review status: criteria provided, single submitter. Criteria: Ambry Variant Classification Scheme 2023. Collection method: clinical testing. Allele origin: germline.

Labcorp Genetics (formerly Invitae), Labcorp
Classification: Uncertain significance. Last evaluated: 2023-08-23. Review status: criteria provided, single submitter. Criteria: Invitae Variant Classification Sherloc (09022015). Collection method: clinical testing. Allele origin: germline.
Comment: In summary, the available evidence is currently insufficient to determine the role of this variant in disease. Therefore, it has been classified as a Variant of Uncertain Significance. Algorithms developed to predict the effect of missense changes on protein structure and function output the following: SIFT: "Not Available"; PolyPhen-2: "Benign"; Align-GVGD: "Not Available". The lysine amino acid residue is found in multiple mammalian species, which suggests that this missense change does not adversely affect protein function. ClinVar contains an entry for this variant (Variation ID: 1505255). This variant has not been reported in the literature in individuals affected with RP1-related conditions. This variant is present in population databases (rs139214330, gnomAD 0.003%). This sequence change replaces glutamic acid, which is acidic and polar, with lysine, which is basic and polar, at codon 366 of the RP1 protein (p.Glu366Lys).

Institute of Human Genetics, Univ. Regensburg, Univ. Regensburg
Classification: Uncertain significance for Retinal dystrophy. Last evaluated: 2023-01-01. Review status: no assertion criteria provided. Criteria: ACMG Guidelines, 2015. Collection method: clinical testing. Allele origin: germline. Affected: yes. Not counted in ClinVar's aggregate classification.